The following is an entry in ClinVar:

ClinVar aggregate classification (germline): Uncertain significance. Review status: criteria provided, multiple submitters, no conflicts (2 of 4 stars). 4 submissions from 4 submitters: Uncertain significance (4). Last evaluated 2025-12-13.

Conditions:
Acrodysostosis 1 with or without hormone resistance (ACRDYS1). Also called: ACRODYSOSTOSIS 1 WITH HORMONE RESISTANCE; ACRODYSOSTOSIS 1 WITHOUT HORMONE RESISTANCE; ACRODYSOSTOSIS WITH HORMONE RESISTANCE. Identifiers: Orphanet 280651, MedGen C3276228, MONDO:0007044, OMIM 101800.
Hereditary cancer-predisposing syndrome. Also called: Tumor predisposition; Hereditary neoplastic syndrome; Neoplastic Syndromes, Hereditary; Hereditary Cancer Syndrome. Identifiers: Orphanet 140162, MedGen C0027672, MeSH D009386, MONDO:0015356.
Carney complex, type 1 (CNC1). Also called: CARNEY MYXOMA-ENDOCRINE COMPLEX; CARNEY COMPLEX, TYPE I. Identifiers: Orphanet 1359, MedGen C2607929, MONDO:0008057, OMIM 160980.

Allele frequency attached by ClinVar (database versions not stated): gnomAD 0.00001; TOPMed 0.00002.
gnomAD v4.1: 18 of 1,613,380 alleles (0.0011%); highest among the groups gnomAD compares: East Asian, 0.0045%; no homozygotes.

Submissions (4):

Labcorp Genetics (formerly Invitae), Labcorp
Classification: Uncertain significance for Carney complex, type 1. Last evaluated: 2025-12-13. Review status: criteria provided, single submitter. Criteria: Invitae Variant Classification Sherloc (09022015). Collection method: clinical testing. Allele origin: germline.
Comment: This sequence change replaces arginine, which is basic and polar, with cysteine, which is neutral and slightly polar, at codon 13 of the PRKAR1A protein (p.Arg13Cys). This variant is not present in population databases (gnomAD no frequency). This variant has not been reported in the literature in individuals affected with PRKAR1A-related conditions. ClinVar contains an entry for this variant (Variation ID: 952943). Invitae Evidence Modeling of protein sequence and biophysical properties (such as structural, functional, and spatial information, amino acid conservation, physicochemical variation, residue mobility, and thermodynamic stability) indicates that this missense variant is not expected to disrupt PRKAR1A protein function with a negative predictive value of 95%. In summary, the available evidence is currently insufficient to determine the role of this variant in disease. Therefore, it has been classified as a Variant of Uncertain Significance.

Women's Health and Genetics/Laboratory Corporation of America, LabCorp
Classification: Uncertain significance. Last evaluated: 2025-09-03. Review status: criteria provided, single submitter. Criteria: LabCorp Variant Classification Summary - May 2015. Collection method: clinical testing. Allele origin: germline.

Ambry Genetics
Classification: Uncertain significance for Hereditary cancer-predisposing syndrome. Last evaluated: 2025-08-21. Review status: criteria provided, single submitter. Criteria: Ambry Variant Classification Scheme 2023. Collection method: clinical testing. Allele origin: germline.
Comment: The p.R13C variant (also known as c.37C>T), located in coding exon 1 of the PRKAR1A gene, results from a C to T substitution at nucleotide position 37. The arginine at codon 13 is replaced by cysteine, an amino acid with highly dissimilar properties. This amino acid position is highly conserved in available vertebrate species. In addition, this alteration is predicted to be deleterious by in silico analysis. Based on the available evidence, the clinical significance of this variant remains unclear.

Baylor Genetics
Classification: Uncertain significance for Acrodysostosis 1 with or without hormone resistance. Last evaluated: 2024-01-05. Review status: criteria provided, single submitter. Criteria: ACMG Guidelines, 2015. Collection method: clinical testing. Allele origin: unknown.

NM_002734.5(PRKAR1A):c.37C>T (p.Arg13Cys)

Gene: PRKAR1A (protein kinase cAMP-dependent type I regulatory subunit alpha; plus strand). Cytogenetic location: 17q24.2.
Variant type: single nucleotide variant.
Coding change: c.37C>T on transcript NM_002734.5 (MANE Select); coding-DNA position 37, C replaced by T.
Protein change: p.Arg13Cys; replaces arginine 13 with cysteine.
Molecular consequence: missense variant.
Genome position (GRCh38, 1-based): chr17:68,515,436, C>T. VCF-style: chr17-68515436-C-T. GRCh37 (hg19) VCF-style: chr17-66511577-C-T.
Other names: c.37C>T, p.Arg13Cys (NM_001276289.2, NM_001276290.1, NM_001278433.2 and 4 more transcripts); short protein forms R13C.
Identifiers: ClinVar variation 952943 (VCV000952943.14), dbSNP rs1177674637, ClinGen allele CA400751832.